The following is an entry in ClinVar:

ClinVar aggregate classification (germline): Uncertain significance (1 of 4 stars; one submission).

Conditions:
Inborn genetic diseases. Identifiers: MedGen C0950123, MeSH D030342.

Submission:

Ambry Genetics
Classification: Uncertain significance for Inborn genetic diseases. Last evaluated: 2025-06-30. Review status: criteria provided, single submitter. Criteria: Ambry Variant Classification Scheme 2023. Collection method: clinical testing. Allele origin: germline.
Comment: The p.K457N variant (also known as c.1371G>C), located in coding exon 12 of the KDM1A gene, results from a G to C substitution at nucleotide position 1371. The lysine at codon 457 is replaced by asparagine, an amino acid with similar properties. This amino acid position is conserved. In addition, the in silico prediction for this alteration is inconclusive. Based on the available evidence, the clinical significance of this variant remains unclear.

NM_001009999.3(KDM1A):c.1371G>C (p.Lys457Asn)

Gene: KDM1A (lysine demethylase 1A; plus strand). Cytogenetic location: 1p36.12.
Variant type: single nucleotide variant.
Coding change: c.1371G>C on transcript NM_001009999.3 (MANE Select); coding-DNA position 1371, G replaced by C.
Protein change: p.Lys457Asn; replaces lysine 457 with asparagine.
Molecular consequence: missense variant.
Genome position (GRCh38, 1-based): chr1:23,069,109, G>C. VCF-style: chr1-23069109-G-C. GRCh37 (hg19) VCF-style: chr1-23395602-G-C.
Other names: c.1299G>C, p.Lys433Asn (NM_001363654.2, NM_001410763.1, NM_015013.4); c.1359G>C, p.Lys453Asn (NM_001410762.1); short protein forms K453N, K457N, K433N.
Identifiers: ClinVar variation 4091039 (VCV004091039.1).